The following is an entry in ClinVar:

ClinVar aggregate classification (germline): Uncertain significance (1 of 4 stars; one submission).

Conditions:
Long QT syndrome (LQTS). Identifiers: MedGen C0023976, MeSH D008133, MONDO:0002442. Disease mechanism: loss of function. Inheritance: Various modes of inheritance.

Submission:

Labcorp Genetics (formerly Invitae), Labcorp
Classification: Uncertain significance for Long QT syndrome. Last evaluated: 2025-11-23. Review status: criteria provided, single submitter. Criteria: Invitae Variant Classification Sherloc (09022015). Collection method: clinical testing. Allele origin: germline.
Comment: This sequence change replaces methionine, which is neutral and non-polar, with valine, which is neutral and non-polar, at codon 169 of the SNTA1 protein (p.Met169Val). This variant is present in population databases (no rsID available, gnomAD 0.01%). This variant has not been reported in the literature in individuals affected with SNTA1-related conditions. Invitae Evidence Modeling of protein sequence and biophysical properties (such as structural, functional, and spatial information, amino acid conservation, physicochemical variation, residue mobility, and thermodynamic stability) indicates that this missense variant is not expected to disrupt SNTA1 protein function with a negative predictive value of 80%. In summary, the available evidence is currently insufficient to determine the role of this variant in disease. Therefore, it has been classified as a Variant of Uncertain Significance.

NM_003098.3(SNTA1):c.505A>G (p.Met169Val)

Gene: SNTA1 (syntrophin alpha 1; minus strand). Cytogenetic location: 20q11.21.
Variant type: single nucleotide variant.
Coding change: c.505A>G on transcript NM_003098.3 (MANE Select); coding-DNA position 505, A replaced by G.
Protein change: p.Met169Val; replaces methionine 169 with valine.
Molecular consequence: missense variant.
Genome position (GRCh38, 1-based): chr20:33,417,915, T>C on the plus strand (A>G on the coding strand, the complement: SNTA1 is on the minus strand). VCF-style: chr20-33417915-T-C. GRCh37 (hg19) VCF-style: chr20-32005721-T-C.
Other names: c.505A>G, p.Met169Val (NM_001424413.1, NM_001424414.1); short protein forms M169V.
Identifiers: ClinVar variation 4766871 (VCV004766871.1).